The following is an entry in ClinVar:

ClinVar aggregate classification (germline): Uncertain significance (1 of 4 stars; one submission).

Conditions:
Intellectual disability and myopathy syndrome (IDMYS). Identifiers: MedGen C5676904, MONDO:0859224, OMIM 619719.
Atrial fibrillation, familial, 12 (ATFB12). Identifiers: MedGen C3279695, MONDO:0013545, OMIM 614050.
Dilated cardiomyopathy 1O (CMD1O). Also called: CARDIOMYOPATHY, DILATED, WITH VENTRICULAR TACHYCARDIA. Identifiers: Orphanet 154, MedGen C1837839, MONDO:0012062, OMIM 608569.
Hypertrichotic osteochondrodysplasia Cantu type. Also called: Cantú Syndrome; Cantu Syndrome. Identifiers: Orphanet 1517, MedGen C0795905, MONDO:0009406, OMIM 239850.

Submission:

Juno Genomics, Hangzhou Juno Genomics, Inc
Classification: Uncertain significance for Atrial fibrillation, familial, 12; Dilated cardiomyopathy 1O; Hypertrichotic osteochondrodysplasia Cantu type; Intellectual disability and myopathy syndrome. Review status: criteria provided, single submitter. Criteria: ACMG Guidelines, 2015. Collection method: clinical testing. Allele origin: germline.
Comment: Absent from controls (or at extremely low frequency if recessive) in Genome Aggregation Database.;Missense variant in a gene that has a low rate of benign missense variation.;Multiple lines of computational evidence support a deleterious effect on the gene or gene product.

NM_020297.4(ABCC9):c.1724T>C (p.Leu575Pro)

Gene: ABCC9 (ATP binding cassette subfamily C member 9; minus strand). Cytogenetic location: 12p12.1.
Variant type: single nucleotide variant.
Coding change: c.1724T>C on transcript NM_020297.4 (MANE Select); coding-DNA position 1724, T replaced by C.
Protein change: p.Leu575Pro; replaces leucine 575 with proline.
Molecular consequence: missense variant.
Genome position (GRCh38, 1-based): chr12:21,894,110, A>G on the plus strand (T>C on the coding strand, the complement: ABCC9 is on the minus strand). VCF-style: chr12-21894110-A-G. GRCh37 (hg19) VCF-style: chr12-22047044-A-G.
Other names: c.1724T>C, p.Leu575Pro (NM_001377273.1, NM_005691.4); c.860T>C, p.Leu287Pro (NM_001377274.1); short protein forms L575P, L287P.
Identifiers: ClinVar variation 5005077 (VCV005005077.2).